The following is an entry in ClinVar:

NM_005051.3(QARS1):c.-20T>C

Gene: QARS1 (glutaminyl-tRNA synthetase 1; minus strand). Cytogenetic location: 3p21.31.
Variant type: single nucleotide variant.
Coding change: c.-20T>C on transcript NM_005051.3 (MANE Select); 20 bases upstream of the start codon, T replaced by C.
Molecular consequence: 5 prime UTR variant. On other transcripts: non-coding transcript variant (1).
Genome position (GRCh38, 1-based): chr3:49,104,753, A>G on the plus strand (T>C on the coding strand, the complement: QARS1 is on the minus strand). VCF-style: chr3-49104753-A-G. GRCh37 (hg19) VCF-style: chr3-49142186-A-G.
Other names: c.-20T>C (NM_001272073.2).
Identifiers: ClinVar variation 507256 (VCV000507256.1), dbSNP rs368345855, ClinGen allele CA2392358.

ClinVar aggregate classification (germline): Likely benign (1 of 4 stars; one submission).

Allele frequency attached by ClinVar (database versions not stated): ESP Exome Variant Server 0.00008; gnomAD exomes 0.00002 and 0.00003; ExAC 0.00003; TOPMed 0.00003; gnomAD 0.00005.

Submission:

GeneDx
Classification: Likely benign. Last evaluated: 2017-02-07. Review status: criteria provided, single submitter. Criteria: GeneDx Variant Classification (06012015). Collection method: clinical testing. Allele origin: germline. Affected: yes.
Comment: This variant is considered likely benign or benign based on one or more of the following criteria: it is a conservative change, it occurs at a poorly conserved position in the protein, it is predicted to be benign by multiple in silico algorithms, and/or has population frequency not consistent with disease.